The following is an entry in ClinVar:

NM_002691.4(POLD1):c.1401C>T (p.Tyr467=)

Gene: POLD1 (DNA polymerase delta 1, catalytic subunit; plus strand). Cytogenetic location: 19q13.33.
Variant type: single nucleotide variant.
Coding change: c.1401C>T on transcript NM_002691.4 (MANE Select); coding-DNA position 1401, C replaced by T.
Protein change: p.Tyr467=; no amino-acid change (tyrosine 467 retained).
Molecular consequence: synonymous variant. On other transcripts: non-coding transcript variant (1).
Genome position (GRCh38, 1-based): chr19:50,406,424, C>T. VCF-style: chr19-50406424-C-T. GRCh37 (hg19) VCF-style: chr19-50909681-C-T.
Other names: c.1401C>T, p.Tyr467= (NM_001256849.1, NM_001308632.1).
Identifiers: ClinVar variation 484370 (VCV000484370.14), dbSNP rs1555791180, ClinGen allele CA508304856.

ClinVar aggregate classification (germline): Benign/Likely benign. Review status: criteria provided, multiple submitters, no conflicts (2 of 4 stars). 3 submissions from 3 submitters: Benign (1); Likely benign (2). Last evaluated 2025-02-06.

Conditions:
Hereditary cancer-predisposing syndrome. Also called: Tumor predisposition; Hereditary Cancer Syndrome; Hereditary neoplastic syndrome; Neoplastic Syndromes, Hereditary. Identifiers: Orphanet 140162, MedGen C0027672, MeSH D009386, MONDO:0015356.
POLD1-related polyposis and colorectal cancer syndrome (CRCS10). Also called: Colorectal cancer 10; COLORECTAL CANCER, SUSCEPTIBILITY TO, ON CHROMOSOME 19q; Colorectal cancer, susceptibility to, 10. Identifiers: Orphanet 220460, MedGen C2675481, MONDO:0012953, OMIM 612591.

Submissions (3):

Myriad Genetics, Inc.
Classification: Benign for POLD1-related polyposis and colorectal cancer syndrome. Last evaluated: 2025-02-06. Review status: criteria provided, single submitter. Criteria: Myriad Autosomal Dominant, Autosomal Recessive and X-Linked Classification Criteria (2023). Collection method: clinical testing. Allele origin: unknown.
Comment: This variant is considered benign. This variant is a silent/synonymous amino acid change and it is not expected to impact splicing.

Labcorp Genetics (formerly Invitae), Labcorp
Classification: Likely benign for POLD1-related polyposis and colorectal cancer syndrome. Last evaluated: 2021-04-13. Review status: criteria provided, single submitter. Criteria: Invitae Variant Classification Sherloc (09022015). Collection method: clinical testing. Allele origin: germline.

Ambry Genetics
Classification: Likely benign for Hereditary cancer-predisposing syndrome. Last evaluated: 2016-03-04. Review status: criteria provided, single submitter. Criteria: Ambry Variant Classification Scheme 2023. Collection method: clinical testing. Allele origin: germline.